The following is an entry in ClinVar:

NM_003482.4(KMT2D):c.49+1del

Gene: KMT2D (lysine methyltransferase 2D; minus strand). Cytogenetic location: 12q13.12.
Variant type: Deletion.
Coding change: c.49+1del on transcript NM_003482.4 (MANE Select); the canonical splice donor site of the intron after coding-DNA position 49, one base deleted (G; older notation c.49+1delG).
Molecular consequence: splice donor variant.
Genome position (GRCh38, 1-based): chr12:49,055,275, C deleted on the plus strand (G on the coding strand, the reverse complement: KMT2D is on the minus strand); the first of 2 consecutive C bases (chr12:49,055,275-49,055,276); deleting either gives the same sequence. VCF-style (leftmost placement, unchanged base first): chr12-49055274-AC-A. GRCh37 (hg19) VCF-style: chr12-49449057-AC-A.
Other names: c.49+1delG (NM_003482.3).
Identifiers: ClinVar variation 576532 (VCV000576532.1), dbSNP rs1565826250, ClinGen allele CA891843486.
Genomic context (GRCh38, chr12:49,055,274, plus strand): 5'-GGACCAGAAATGTAAGGTTGCCAATGAAATCTAAAAGCAAACAAACAATTTGTCCTACTC[AC>A]CTGCCGGTTCTGAATCTTTATCCTCACCAGCCAGCTTCTGGCTGTCCATCCCTCTCTCCG-3'

ClinVar aggregate classification (germline): Likely pathogenic (1 of 4 stars; one submission).

Conditions:
Kabuki syndrome. Also called: NIIKAWA-KUROKI SYNDROME; Kabuki make-up syndrome. Identifiers: Orphanet 2322, MedGen C0796004, MONDO:0016512.

Submission:

Labcorp Genetics (formerly Invitae), Labcorp
Classification: Likely pathogenic for Kabuki syndrome. Last evaluated: 2018-01-23. Review status: criteria provided, single submitter. Criteria: Invitae Variant Classification Sherloc (09022015). Collection method: clinical testing. Allele origin: germline.
Comment: This sequence change affects a donor splice site in intron 1 of the KMT2D gene. It is expected to disrupt RNA splicing and likely results in an absent or disrupted protein product. This variant is not present in population databases (ExAC no frequency). This variant has not been reported in the literature in individuals with KMT2D-related disease. Algorithms developed to predict the effect of sequence changes on RNA splicing suggest that this variant may disrupt the consensus splice site, but this prediction has not been confirmed by published transcriptional studies. Donor and acceptor splice site variants typically lead to a loss of protein function (PMID: 16199547), and loss-of-function variants in KMT2D are known to be pathogenic (PMID: 22126750). In summary, the currently available evidence indicates that the variant is pathogenic, but additional data are needed to prove that conclusively. Therefore, this variant has been classified as Likely Pathogenic.

Literature cited by the submitters: PubMed 22126750.